The following is an entry in ClinVar:

ClinVar aggregate classification (germline): Pathogenic/Likely pathogenic. Review status: criteria provided, multiple submitters, no conflicts (2 of 4 stars). 3 submissions from 3 submitters: Pathogenic (2); Likely pathogenic (1). Last evaluated 2025-06-05.

Conditions:
Finnish congenital nephrotic syndrome (NPHS1). Also called: NEPHROTIC SYNDROME, TYPE 1. Identifiers: Orphanet 839, MedGen C0403399, MONDO:0009732, OMIM 256300.

Submissions (3):

Myriad Genetics, Inc.
Classification: Pathogenic for Finnish congenital nephrotic syndrome. Last evaluated: 2025-06-05. Review status: criteria provided, single submitter. Criteria: Myriad Autosomal Dominant, Autosomal Recessive and X-Linked Classification Criteria (2023). Collection method: clinical testing. Allele origin: unknown.
Comment: NM_004646.3(NPHS1):c.3554delC(P1185Rfs*52) is a frameshift variant classified as pathogenic in the context of nephrotic syndrome, NPHS1-related. P1185Rfs*52 has not been observed in cases with relevant disease. Relevant functional assessments of this variant are not available in the literature. P1185Rfs*52 has not been observed in referenced population frequency databases. In summary, NM_004646.3(NPHS1):c.3554delC(P1185Rfs*52) is a frameshift variant in a gene where loss of function is a known mechanism of disease and is predicted to disrupt protein function. Please note: this variant was assessed in the context of healthy population screening.

Labcorp Genetics (formerly Invitae), Labcorp
Classification: Pathogenic. Last evaluated: 2024-05-23. Review status: criteria provided, single submitter. Criteria: Invitae Variant Classification Sherloc (09022015). Collection method: clinical testing. Allele origin: germline.
Comment: This sequence change creates a premature translational stop signal (p.Pro1185Argfs*52) in the NPHS1 gene. While this is not anticipated to result in nonsense mediated decay, it is expected to disrupt the last 57 amino acid(s) of the NPHS1 protein. This variant is not present in population databases (gnomAD no frequency). This variant has not been reported in the literature in individuals affected with NPHS1-related conditions. This variant disrupts a region of the NPHS1 protein in which other variant(s) (p.Trp1205Glyfs*32) have been determined to be pathogenic (PMID: 21415313). This suggests that this is a clinically significant region of the protein, and that variants that disrupt it are likely to be disease-causing. For these reasons, this variant has been classified as Pathogenic.

Baylor Genetics
Classification: Likely pathogenic for Finnish congenital nephrotic syndrome. Last evaluated: 2022-08-09. Review status: criteria provided, single submitter. Criteria: ACMG Guidelines, 2015. Collection method: clinical testing. Allele origin: unknown.

Literature cited by the submitters: PubMed 21415313 (cited by Labcorp Genetics (formerly Invitae), Labcorp).

NM_004646.4(NPHS1):c.3554del (p.Pro1185fs)

Gene: NPHS1 (NPHS1 adhesion molecule, nephrin; minus strand). Cytogenetic location: 19q13.12.
Variant type: Deletion.
Coding change: c.3554del on transcript NM_004646.4 (MANE Select); coding-DNA position 3554, one base deleted (C; older notation c.3554delC).
Protein change: p.Pro1185fs; shifts the reading frame from proline 1185.
Molecular consequence: frameshift variant.
Genome position (GRCh38, 1-based): chr19:35,830,884, G deleted on the plus strand (C on the coding strand, the reverse complement: NPHS1 is on the minus strand); the first of 6 consecutive G bases (chr19:35,830,884-35,830,889); deleting any one gives the same sequence. VCF-style (leftmost placement, unchanged base first): chr19-35830883-CG-C. GRCh37 (hg19) VCF-style: chr19-36321785-CG-C.
Other names: short protein forms P1185fs.
Identifiers: ClinVar variation 2677332 (VCV002677332.4), dbSNP rs750714387, ClinGen allele CA2584601407.
Genomic context (GRCh38, chr19:35,830,883, plus strand): 5'-TGCTGATGCAAAGCTTCTCACCATCTGCACTTCATCGTAGAGGGGTCCCCAGGCTCCAGA[CG>C]GGGGGTACGTTCTTTCTACCTCATCATACAAGTGCCCAGGGAAGGCCATATCCTCATCTT-3'